The following is an entry in ClinVar:

NM_000257.4(MYH7):c.3464G>C (p.Gly1155Ala)

Gene: MYH7 (myosin heavy chain 7; minus strand). Cytogenetic location: 14q11.2.
Variant type: single nucleotide variant.
Coding change: c.3464G>C on transcript NM_000257.4 (MANE Select); coding-DNA position 3464, G replaced by C.
Protein change: p.Gly1155Ala; replaces glycine 1155 with alanine.
Molecular consequence: missense variant.
Genome position (GRCh38, 1-based): chr14:23,420,107, C>G on the plus strand (G>C on the coding strand, the complement: MYH7 is on the minus strand). VCF-style: chr14-23420107-C-G. GRCh37 (hg19) VCF-style: chr14-23889316-C-G.
Other names: c.3464G>C, p.Gly1155Ala (NM_001407004.1); short protein forms G1155A.
Identifiers: ClinVar variation 3026285 (VCV003026285.24), dbSNP rs397516186, ClinGen allele CA389043803.

ClinVar aggregate classification (germline): Uncertain significance. Review status: criteria provided, multiple submitters, no conflicts (2 of 4 stars). 3 submissions from 3 submitters: Uncertain significance (3). Last evaluated 2025-07-29.

Conditions:
Cardiomyopathy (CMYO). Also called: Cardiomyopathies. Identifiers: Orphanet 167848, MedGen C0878544, MONDO:0004994, HP:0001638. Inheritance: Various modes of inheritance.

Submissions (3):

Color Diagnostics, LLC DBA Color Health
Classification: Uncertain significance for Cardiomyopathy. Last evaluated: 2025-07-29. Review status: criteria provided, single submitter. Criteria: ACMG Guidelines, 2015. Collection method: clinical testing. Allele origin: germline.
Comment: This missense variant replaces glycine with alanine at codon 1155 of the MYH7 protein. Computational prediction suggests that this variant may have deleterious impact on protein structure and function. To our knowledge, functional studies have not been reported for this variant. This variant has not been reported in individuals affected with MYH7-related disorders in the literature. This variant has not been identified in the general population by the Genome Aggregation Database (gnomAD). The available evidence is insufficient to determine the role of this variant in disease conclusively. Therefore, this variant is classified as a Variant of Uncertain Significance.

CeGaT Center for Human Genetics Tuebingen
Classification: Uncertain significance. Last evaluated: 2024-02-01. Review status: criteria provided, single submitter. Criteria: CeGaT Center For Human Genetics Tuebingen Variant Classification Criteria Version 2. Collection method: clinical testing. Allele origin: germline. Affected: yes. Observed: 1 variant allele.
Comment: MYH7: PM2, PP2

All of Us Research Program, National Institutes of Health
Classification: Uncertain significance for Cardiomyopathy. Last evaluated: 2023-08-15. Review status: criteria provided, single submitter. Criteria: ACMG Guidelines, 2015. Collection method: clinical testing. Allele origin: germline. Inheritance: Autosomal dominant inheritance. Observed: 1 variant allele, 1 heterozygote.
Comment: This missense variant replaces glycine with alanine at codon 1155 of the MYH7 protein. Computational prediction suggests that this variant may have deleterious impact on protein structure and function (internally defined REVEL score threshold >= 0.7, PMID: 27666373). To our knowledge, functional studies have not been reported for this variant. This variant has not been reported in individuals affected with MYH7-related disorders in the literature. This variant has not been identified in the general population by the Genome Aggregation Database (gnomAD). The available evidence is insufficient to determine the role of this variant in disease conclusively. Therefore, this variant is classified as a Variant of Uncertain Significance.

This study involves interpretation of variants in research participants for the purpose of population health screening. Participant phenotype was not available at the time of variant classification. Additional details can be found in publication PMID: 35346344, PMCID: PMC8962531